The following is an entry in ClinVar:

NM_000032.5(ALAS2):c.198G>A (p.Ala66=)

Genes: ALAS2 (5'-aminolevulinate synthase 2; minus strand), LOC108663984 (ALAS2 intron 1 and 3 erythroid regulatory elements; plus strand). Cytogenetic location: Xp11.21.
Variant type: single nucleotide variant.
Coding change: c.198G>A on transcript NM_000032.5 (MANE Select); coding-DNA position 198, G replaced by A.
Protein change: p.Ala66=; no amino-acid change (alanine 66 retained).
Molecular consequence: synonymous variant.
Genome position (GRCh38, 1-based): chrX:55,024,824, C>T on the plus strand (G>A on the coding strand, the complement: ALAS2 is on the minus strand). VCF-style: chrX-55024824-C-T. GRCh37 (hg19) VCF-style: chrX-55051257-C-T.
Other names: p.A66A:GCG>GCA; c.198G>A, p.Ala66= (LRG_1163t1, NM_001037967.4); c.270G>A, p.Ala90= (NM_001037968.4).
Identifiers: ClinVar variation 136357 (VCV000136357.11), dbSNP rs137993499, ClinGen allele CA289382.
Genomic context (GRCh38, chrX:55,024,824, plus strand): 5'-CTGCACAATCTTGCTCTTCCCATCCTGGAGTTCCGACAGCATGAAGGGACAGTGGCCCTT[C>T]GCCCAAGATGGAGAATCTATGCAAAGGTAAGAGAGTAATTTGGGGTGCATTTCTAGTCAT-3'
Protein context (NP_000023.2, residues 56-76): TKAGGDSPSW[Ala66=]KGHCPFMLSE

ClinVar aggregate classification (germline): Benign. Review status: criteria provided, multiple submitters, no conflicts (2 of 4 stars). 3 submissions from 3 submitters: Benign (3). Last evaluated 2026-02-01.

Allele frequency attached by ClinVar (database versions not stated): gnomAD exomes 0.00128 and 0.00360; ExAC 0.00472; 1000 Genomes Project 30x 0.01124; 1000 Genomes Project 0.01139; gnomAD 0.01237 and 0.01348; TOPMed 0.01447; ESP Exome Variant Server 0.01619.
gnomAD v4.1: 2,846 of 1,209,945 alleles (0.24%); highest among the groups gnomAD compares: African/African-American, 4.5%; 49 homozygotes.

Submissions (3):

Labcorp Genetics (formerly Invitae), Labcorp
Classification: Benign. Last evaluated: 2026-02-01. Review status: criteria provided, single submitter. Criteria: Invitae Variant Classification Sherloc (09022015). Collection method: clinical testing. Allele origin: germline.

GeneDx
Classification: Benign. Last evaluated: 2014-03-31. Review status: criteria provided, single submitter. Criteria: GeneDx Variant Classification (06012015). Collection method: clinical testing. Allele origin: germline. Affected: yes.
Comment: This variant is considered likely benign or benign based on one or more of the following criteria: it is a conservative change, it occurs at a poorly conserved position in the protein, it is predicted to be benign by multiple in silico algorithms, and/or has population frequency not consistent with disease.

Breakthrough Genomics
Classification: Benign. Review status: criteria provided, single submitter. Criteria: ACMG Guidelines, 2015. Collection method: not provided. Allele origin: germline. Inheritance: X-linked inheritance. Affected: yes.